The following is an entry in ClinVar:

NM_000271.5(NPC1):c.2291C>T (p.Ala764Val)

Gene: NPC1 (NPC intracellular cholesterol transporter 1; minus strand). Cytogenetic location: 18q11.2.
Variant type: single nucleotide variant.
Coding change: c.2291C>T on transcript NM_000271.5 (MANE Select); coding-DNA position 2291, C replaced by T.
Protein change: p.Ala764Val; replaces alanine 764 with valine.
Molecular consequence: missense variant.
Genome position (GRCh38, 1-based): chr18:23,541,388, G>A on the plus strand (C>T on the coding strand, the complement: NPC1 is on the minus strand). VCF-style: chr18-23541388-G-A. GRCh37 (hg19) VCF-style: chr18-21121352-G-A.
Other names: c.2291C>T (NM_000271.4); short protein forms A764V.
Identifiers: ClinVar variation 1066745 (VCV001066745.8), dbSNP rs773765255, ClinGen allele CA8913151.

ClinVar aggregate classification (germline): Pathogenic. Review status: criteria provided, multiple submitters, no conflicts (2 of 4 stars). 2 submissions from 2 submitters: Pathogenic (2). Last evaluated 2025-02-19.

Conditions:
Niemann-Pick disease, type C1. Also called: NEUROVISCERAL STORAGE DISEASE WITH VERTICAL SUPRANUCLEAR OPHTHALMOPLEGIA; NIEMANN-PICK DISEASE WITH CHOLESTEROL ESTERIFICATION BLOCK; NIEMANN-PICK DISEASE WITHOUT SPHINGOMYELINASE DEFICIENCY; NIEMANN-PICK DISEASE, CHRONIC NEURONOPATHIC FORM; NIEMANN-PICK DISEASE, VARIANT TYPE C1. Identifiers: Orphanet 646, MedGen C3179455, MONDO:0009757, OMIM 257220.

Allele frequency attached by ClinVar (database versions not stated): gnomAD exomes below 0.00001; TOPMed below 0.00001; ExAC 0.00001.
gnomAD v4.1: 3 of 1,614,168 alleles (0.00019%); highest among the groups gnomAD compares: East Asian, 0.0022%; no homozygotes.

Submissions (2):

Labcorp Genetics (formerly Invitae), Labcorp
Classification: Pathogenic for Niemann-Pick disease, type C1. Last evaluated: 2025-02-19. Review status: criteria provided, single submitter. Criteria: Invitae Variant Classification Sherloc (09022015). Collection method: clinical testing. Allele origin: germline.
Comment: This sequence change replaces alanine, which is neutral and non-polar, with valine, which is neutral and non-polar, at codon 764 of the NPC1 protein (p.Ala764Val). This variant is present in population databases (rs773765255, gnomAD 0.0009%). This missense change has been observed in individual(s) with Niemann-Pick disease type C (PMID: 24676439, 26790753, 26910362; internal data). ClinVar contains an entry for this variant (Variation ID: 1066745). Invitae Evidence Modeling of protein sequence and biophysical properties (such as structural, functional, and spatial information, amino acid conservation, physicochemical variation, residue mobility, and thermodynamic stability) indicates that this missense variant is expected to disrupt NPC1 protein function with a positive predictive value of 95%. For these reasons, this variant has been classified as Pathogenic.

Natera, Inc.
Classification: Pathogenic for Niemann-Pick disease type C1. Last evaluated: 2024-03-05. Review status: criteria provided, single submitter. Criteria: Natera Variant Classification Schema (03/2026). Collection method: clinical testing. Allele origin: germline.
Comment: The c.2291C>T variant in NPC1 is a missense variant predicted to cause substitution of alanine to valine at amino acid 764. This variant is rare in the general population with a frequency below the threshold expected for the associated phenotype(s). This variant has been observed in one or more individuals affected with the associated recessive disease, as either homozygous or compound heterozygous with a second variant (PMID: 27193329, 35892469, 26910362, 24676439, 27234403). Computational prediction algorithms indicate this variant is likely to affect gene or protein function. Given the available evidence, this variant is classified as Pathogenic.

Literature cited by the submitters: PubMed 24676439 (cited by Labcorp Genetics (formerly Invitae), Labcorp and Natera, Inc.); PubMed 26790753 (cited by Labcorp Genetics (formerly Invitae), Labcorp); PubMed 26910362 (cited by Labcorp Genetics (formerly Invitae), Labcorp and Natera, Inc.); PubMed 27193329 (cited by Natera, Inc.); PubMed 35892469 (cited by Natera, Inc.); PubMed 27234403 (cited by Natera, Inc.).